The following is an entry in ClinVar:

ClinVar aggregate classification (germline): Likely benign. Review status: criteria provided, single submitter (1 of 4 stars). 2 submissions from 2 submitters: Likely benign (1). 1 of the submissions does not count toward it. Last evaluated 2026-01-07.

Conditions:
ACOX1-related disorder. Also called: ACOX1-related disorders; ACOX1-related condition.
Acyl-CoA oxidase deficiency. Also called: Peroxisomal acyl-CoA oxidase deficiency; STRAIGHT-CHAIN ACYL-CoA OXIDASE DEFICIENCY; Pseudoneonatal adrenoleukodystrophy. Identifiers: Orphanet 2971, MedGen C1849678, MONDO:0009919, OMIM 264470. Disease mechanism: loss of function.

Allele frequency attached by ClinVar (database versions not stated): gnomAD 0.00002; gnomAD exomes 0.00005 and 0.00010; ExAC 0.00006; TOPMed 0.00008.
gnomAD v4.1: 32 of 1,613,992 alleles (0.002%); highest among the groups gnomAD compares: Admixed American, 0.053%; no homozygotes.

Submissions (2):

Labcorp Genetics (formerly Invitae), Labcorp
Classification: Likely benign for Acyl-CoA oxidase deficiency. Last evaluated: 2026-01-07. Review status: criteria provided, single submitter. Criteria: Invitae Variant Classification Sherloc (09022015). Collection method: clinical testing. Allele origin: germline.

PreventionGenetics, part of Exact Sciences
Classification: Likely benign for ACOX1-related condition. Last evaluated: 2020-10-19. Review status: no assertion criteria provided. Collection method: clinical testing. Allele origin: germline. Not counted in ClinVar's aggregate classification.
Comment: This variant is classified as likely benign based on ACMG/AMP sequence variant interpretation guidelines (Richards et al. 2015 PMID: 25741868, with internal and published modifications).

NM_004035.7(ACOX1):c.1278C>T (p.Val426=)

Gene: ACOX1 (acyl-CoA oxidase 1; minus strand). Cytogenetic location: 17q25.1.
Variant type: single nucleotide variant.
Coding change: c.1278C>T on transcript NM_004035.7 (MANE Select); coding-DNA position 1278, C replaced by T.
Protein change: p.Val426=; no amino-acid change (valine 426 retained).
Molecular consequence: synonymous variant.
Genome position (GRCh38, 1-based): chr17:75,950,794, G>A on the plus strand (C>T on the coding strand, the complement: ACOX1 is on the minus strand). VCF-style: chr17-75950794-G-A. GRCh37 (hg19) VCF-style: chr17-73946875-G-A.
Other names: c.1164C>T, p.Val388= (NM_001185039.2); c.1278C>T, p.Val426= (NM_007292.6); c.1278C>T (NM_004035.6).
Identifiers: ClinVar variation 1125634 (VCV001125634.11), dbSNP rs777467085, ClinGen allele CA8776814.